The following is an entry in ClinVar:

NM_002692.4(POLE2):c.1471A>G (p.Asn491Asp)

Gene: POLE2 (DNA polymerase epsilon 2, accessory subunit; minus strand). Cytogenetic location: 14q21.3.
Variant type: single nucleotide variant.
Coding change: c.1471A>G on transcript NM_002692.4 (MANE Select); coding-DNA position 1471, A replaced by G.
Protein change: p.Asn491Asp; replaces asparagine 491 with aspartic acid.
Molecular consequence: missense variant.
Genome position (GRCh38, 1-based): chr14:49,650,291, T>C on the plus strand (A>G on the coding strand, the complement: POLE2 is on the minus strand). VCF-style: chr14-49650291-T-C. GRCh37 (hg19) VCF-style: chr14-50117009-T-C.
Other names: c.1393A>G, p.Asn465Asp (NM_001197330.2); c.1471A>G, p.Asn491Asp (NM_001197331.3); c.1468A>G, p.Asn490Asp (NM_001348384.2); c.1240A>G, p.Asn414Asp (NM_001348385.2); short protein forms N490D, N414D, N465D, N491D.
Identifiers: ClinVar variation 1912923 (VCV001912923.5), dbSNP rs779000974, ClinGen allele CA389636523.

ClinVar aggregate classification (germline): Uncertain significance (1 of 4 stars; one submission).

Allele frequency attached by ClinVar (database versions not stated): gnomAD exomes 0.00001.
gnomAD v4.1: 11 of 1,604,448 alleles (0.00069%); highest among the groups gnomAD compares: East Asian, 0.0023%; no homozygotes.

Submission:

Labcorp Genetics (formerly Invitae), Labcorp
Classification: Uncertain significance. Last evaluated: 2025-10-21. Review status: criteria provided, single submitter. Criteria: Invitae Variant Classification Sherloc (09022015). Collection method: clinical testing. Allele origin: germline.
Comment: This sequence change replaces asparagine, which is neutral and polar, with aspartic acid, which is acidic and polar, at codon 491 of the POLE2 protein (p.Asn491Asp). This variant is not present in population databases (gnomAD no frequency). This variant has not been reported in the literature in individuals affected with POLE2-related conditions. ClinVar contains an entry for this variant (Variation ID: 1912923). An algorithm developed to predict the effect of missense changes on protein structure and function (PolyPhen-2) suggests that this variant is likely to be tolerated. In summary, the available evidence is currently insufficient to determine the role of this variant in disease. Therefore, it has been classified as a Variant of Uncertain Significance.